The following is an entry in ClinVar:

ClinVar aggregate classification (germline): Uncertain significance (1 of 4 stars; one submission).

Submission:

GeneDx
Classification: Uncertain significance. Last evaluated: 2025-04-13. Review status: criteria provided, single submitter. Criteria: GeneDx Variant Classification Process June 2021. Collection method: clinical testing. Allele origin: germline. Affected: yes.
Comment: Not observed at significant frequency in large population cohorts (gnomAD); Has not been previously published as pathogenic or benign to our knowledge; In silico analysis suggests this variant may impact gene splicing. In the absence of RNA/functional studies, the actual effect of this sequence change is unknown.

NM_005188.4(CBL):c.444-10T>A

Gene: CBL (Cbl proto-oncogene; plus strand). Cytogenetic location: 11q23.3.
Variant type: single nucleotide variant.
Coding change: c.444-10T>A on transcript NM_005188.4 (MANE Select); 10 bases into the intron before coding-DNA position 444, T replaced by A.
Molecular consequence: intron variant.
Genome position (GRCh38, 1-based): chr11:119,271,725, T>A. VCF-style: chr11-119271725-T-A. GRCh37 (hg19) VCF-style: chr11-119142435-T-A.
Identifiers: ClinVar variation 4281849 (VCV004281849.1).
Genomic context (GRCh38, chr11:119,271,725, plus strand): 5'-TGGTGAATTTGGTGCATTTAAAATAAAAATAATTTTATGTGTTTAATTATTGCATTCTGA[T>A]CATTTGTAGGCGAAACCTAACCAAACTGTCCCTCATCTTCAGCCACATGCTGGCAGAACT-3'